The following is an entry in ClinVar:

ClinVar aggregate classification (germline): Uncertain significance. Review status: criteria provided, multiple submitters, no conflicts (2 of 4 stars). 2 submissions from 2 submitters: Uncertain significance (2). Last evaluated 2026-05-27.

Conditions:
Inborn genetic diseases. Identifiers: MedGen C0950123, MeSH D030342.

Allele frequency attached by ClinVar (database versions not stated): gnomAD 0.00002; ExAC 0.00001; gnomAD exomes below 0.00001; TOPMed 0.00002.
gnomAD v4.1: 7 of 1,206,868 alleles (0.00058%); highest among the groups gnomAD compares: Admixed American, 0.0044%; no homozygotes.

Submissions (2):

Ambry Genetics
Classification: Uncertain significance for Inborn genetic diseases. Last evaluated: 2026-05-27. Review status: criteria provided, single submitter. Criteria: Ambry Variant Classification Scheme 2023. Collection method: clinical testing. Allele origin: germline.

Labcorp Genetics (formerly Invitae), Labcorp
Classification: Uncertain significance. Last evaluated: 2024-11-05. Review status: criteria provided, single submitter. Criteria: Invitae Variant Classification Sherloc (09022015). Collection method: clinical testing. Allele origin: germline.
Comment: This sequence change replaces aspartic acid, which is acidic and polar, with glycine, which is neutral and non-polar, at codon 292 of the MBTPS2 protein (p.Asp292Gly). This variant is present in population databases (rs752895333, gnomAD 0.004%). This variant has not been reported in the literature in individuals affected with MBTPS2-related conditions. ClinVar contains an entry for this variant (Variation ID: 2417323). Invitae Evidence Modeling of protein sequence and biophysical properties (such as structural, functional, and spatial information, amino acid conservation, physicochemical variation, residue mobility, and thermodynamic stability) has been performed for this missense variant. However, the output from this modeling did not meet the statistical confidence thresholds required to predict the impact of this variant on MBTPS2 protein function. Algorithms developed to predict the effect of sequence changes on RNA splicing suggest that this variant may disrupt the consensus splice site. In summary, the available evidence is currently insufficient to determine the role of this variant in disease. Therefore, it has been classified as a Variant of Uncertain Significance.

NM_015884.4(MBTPS2):c.875A>G (p.Asp292Gly)

Gene: MBTPS2 (membrane bound transcription factor peptidase, site 2; plus strand). Cytogenetic location: Xp22.12.
Variant type: single nucleotide variant.
Coding change: c.875A>G on transcript NM_015884.4 (MANE Select); coding-DNA position 875, A replaced by G.
Protein change: p.Asp292Gly; replaces aspartic acid 292 with glycine.
Molecular consequence: missense variant.
Genome position (GRCh38, 1-based): chrX:21,869,583, A>G. VCF-style: chrX-21869583-A-G. GRCh37 (hg19) VCF-style: chrX-21887701-A-G.
Other names: c.875A>G (NM_015884.3); short protein forms D292G.
Identifiers: ClinVar variation 2417323 (VCV002417323.7), dbSNP rs752895333, ClinGen allele CA10367603.